The following is an entry in ClinVar:

ClinVar aggregate classification (germline): Uncertain significance. Review status: criteria provided, multiple submitters, no conflicts (2 of 4 stars). 2 submissions from 2 submitters: Uncertain significance (2). Last evaluated 2025-04-25.

Conditions:
Emery-Dreifuss muscular dystrophy 5, autosomal dominant (EDMD5). Also called: EMERY-DREIFUSS MUSCULAR DYSTROPHY 5. Identifiers: Orphanet 261, MedGen C2751805, MONDO:0013072, OMIM 612999.

Allele frequency attached by ClinVar (database versions not stated): gnomAD below 0.00001 and 0.00001; gnomAD exomes 0.00003 and 0.00006; ExAC 0.00004.
gnomAD v4.1: 43 of 1,613,284 alleles (0.0027%); highest among the groups gnomAD compares: South Asian, 0.046%; 2 homozygotes.

Submissions (2):

Ambry Genetics
Classification: Uncertain significance. Last evaluated: 2025-04-25. Review status: criteria provided, single submitter. Criteria: Ambry Variant Classification Scheme 2023. Collection method: clinical testing. Allele origin: germline.

Labcorp Genetics (formerly Invitae), Labcorp
Classification: Uncertain significance for Emery-Dreifuss muscular dystrophy 5, autosomal dominant. Last evaluated: 2023-08-27. Review status: criteria provided, single submitter. Criteria: Invitae Variant Classification Sherloc (09022015). Collection method: clinical testing. Allele origin: germline.
Comment: An algorithm developed to predict the effect of missense changes on protein structure and function (PolyPhen-2) suggests that this variant is likely to be disruptive. This variant has not been reported in the literature in individuals affected with SYNE2-related conditions. ClinVar contains an entry for this variant (Variation ID: 941229). In summary, the available evidence is currently insufficient to determine the role of this variant in disease. Therefore, it has been classified as a Variant of Uncertain Significance. This sequence change replaces leucine, which is neutral and non-polar, with phenylalanine, which is neutral and non-polar, at codon 3177 of the SYNE2 protein (p.Leu3177Phe). This variant is present in population databases (rs780632657, gnomAD 0.05%), and has an allele count higher than expected for a pathogenic variant.

NM_182914.3(SYNE2):c.9529C>T (p.Leu3177Phe)

Gene: SYNE2 (spectrin repeat containing nuclear envelope protein 2; plus strand). Cytogenetic location: 14q23.2.
Variant type: single nucleotide variant.
Coding change: c.9529C>T on transcript NM_182914.3 (MANE Select); coding-DNA position 9529, C replaced by T.
Protein change: p.Leu3177Phe; replaces leucine 3177 with phenylalanine.
Molecular consequence: missense variant.
Genome position (GRCh38, 1-based): chr14:64,053,442, C>T. VCF-style: chr14-64053442-C-T. GRCh37 (hg19) VCF-style: chr14-64520160-C-T.
Other names: c.9529C>T, p.Leu3177Phe (NM_015180.6); short protein forms L3177F.
Identifiers: ClinVar variation 941229 (VCV000941229.10), dbSNP rs780632657, ClinGen allele CA7221282.
Genomic context (GRCh38, chr14:64,053,442, plus strand): 5'-AAACTAGAAACTTCCTTACATGTTTTAAATCAGATAAAATCTCAATTACAGCAGCCATTA[C>T]TTATAAATTTGGAAATTAAACATATTCAAAATGAAAAGGACAATTGTGAAGCATTTCAGG-3'
Protein context (NP_878918.2, residues 3167-3187): QIKSQLQQPL[Leu3177Phe]INLEIKHIQN